The following is an entry in ClinVar:

ClinVar aggregate classification (germline): Uncertain significance. Review status: criteria provided, multiple submitters, no conflicts (2 of 4 stars). 2 submissions from 2 submitters: Uncertain significance (2). Last evaluated 2025-10-01.

Conditions:
Charcot-Marie-Tooth disease type 2R. Also called: Charcot-Marie-Tooth disease, axonal, type 2R; CHARCOT-MARIE-TOOTH NEUROPATHY, TYPE 2R; CHARCOT-MARIE-TOOTH DISEASE, AXONAL, AUTOSOMAL RECESSIVE, TYPE 2R. Identifiers: Orphanet 397968, MedGen C3809655, MONDO:0014208, OMIM 615490.

Allele frequency attached by ClinVar (database versions not stated): TOPMed below 0.00001; gnomAD 0.00001; gnomAD exomes 0.00001.
gnomAD v4.1: 5 of 1,613,288 alleles (0.00031%); highest among the groups gnomAD compares: Non-Finnish European, 0.00042%; no homozygotes.

Submissions (2):

CeGaT Center for Human Genetics Tuebingen
Classification: Uncertain significance. Last evaluated: 2025-10-01. Review status: criteria provided, single submitter. Criteria: CeGaT Center For Human Genetics Tuebingen Variant Classification Criteria Version 2. Collection method: clinical testing. Allele origin: germline. Affected: yes. Observed: 1 variant allele.
Comment: TRIM2: PM2

Labcorp Genetics (formerly Invitae), Labcorp
Classification: Uncertain significance for Charcot-Marie-Tooth disease type 2R. Last evaluated: 2024-09-06. Review status: criteria provided, single submitter. Criteria: Invitae Variant Classification Sherloc (09022015). Collection method: clinical testing. Allele origin: germline.
Comment: This sequence change replaces glycine, which is neutral and non-polar, with alanine, which is neutral and non-polar, at codon 316 of the TRIM2 protein (p.Gly316Ala). This variant is not present in population databases (gnomAD no frequency). This variant has not been reported in the literature in individuals affected with TRIM2-related conditions. ClinVar contains an entry for this variant (Variation ID: 935061). An algorithm developed to predict the effect of missense changes on protein structure and function (PolyPhen-2) suggests that this variant is likely to be disruptive. In summary, the available evidence is currently insufficient to determine the role of this variant in disease. Therefore, it has been classified as a Variant of Uncertain Significance.

NM_015271.5(TRIM2):c.1028G>C (p.Gly343Ala)

Gene: TRIM2 (tripartite motif containing 2; plus strand). Cytogenetic location: 4q31.3.
Variant type: single nucleotide variant.
Coding change: c.1028G>C on transcript NM_015271.5 (MANE Select); coding-DNA position 1028, G replaced by C.
Protein change: p.Gly343Ala; replaces glycine 343 with alanine.
Molecular consequence: missense variant.
Genome position (GRCh38, 1-based): chr4:153,295,554, G>C. VCF-style: chr4-153295554-G-C. GRCh37 (hg19) VCF-style: chr4-154216706-G-C.
Other names: c.947G>C, p.Gly316Ala (NM_001130067.2, NM_001351056.2, NM_001375512.1 and 5 more transcripts); c.1001G>C, p.Gly334Ala (NM_001351054.2); c.998G>C, p.Gly333Ala (NM_001351055.2); c.572G>C, p.Gly191Ala (NM_001351057.2); c.1121G>C, p.Gly374Ala (NM_001375488.1); c.1118G>C, p.Gly373Ala (NM_001375489.1); c.971G>C, p.Gly324Ala (NM_001375490.1); c.968G>C, p.Gly323Ala (NM_001375491.1); and 3 more; short protein forms G230A, G323A, G334A, G191A, G324A, G343A, G374A, G231A.
Identifiers: ClinVar variation 935061 (VCV000935061.15), dbSNP rs1488492161, ClinGen allele CA358472816.